The following is an entry in ClinVar:

NM_001040108.2(MLH3):c.4268G>A (p.Arg1423His)

Gene: MLH3 (mutL homolog 3; minus strand). Cytogenetic location: 14q24.3.
Variant type: single nucleotide variant.
Coding change: c.4268G>A on transcript NM_001040108.2 (MANE Select); coding-DNA position 4268, G replaced by A.
Protein change: p.Arg1423His; replaces arginine 1423 with histidine.
Molecular consequence: missense variant.
Genome position (GRCh38, 1-based): chr14:75,017,176, C>T on the plus strand (G>A on the coding strand, the complement: MLH3 is on the minus strand). VCF-style: chr14-75017176-C-T. GRCh37 (hg19) VCF-style: chr14-75483879-C-T.
Other names: c.4196G>A, p.Arg1399His (NM_014381.3); short protein forms R1423H, R1399H.
Identifiers: ClinVar variation 854166 (VCV000854166.19), dbSNP rs752635498, ClinGen allele CA7275167.
Genomic context (GRCh38, chr14:75,017,176, plus strand): 5'-AGGCTCTGCCTTGTATCACACTCTGCTTTTCCAAAGAGACGCCAGGCCTGGGCCATTTTG[C>T]GAAGTTTAGTGAGGTTGGGTTTAATCTATGGGAAGAAAGAATAACTTCAATTAGCAATAT-3'
Protein context (NP_001035197.1, residues 1413-1433): KQIKPNLTKL[Arg1423His]KMAQAWRLFG

ClinVar aggregate classification (germline): Uncertain significance. Review status: criteria provided, multiple submitters, no conflicts (2 of 4 stars). 6 submissions from 6 submitters: Uncertain significance (6). Last evaluated 2026-01-26.

Conditions:
Colorectal cancer. Also called: Malignant Colorectal Neoplasm; Colorectal cancer, somatic. Identifiers: MedGen C0346629, MONDO:0005575, OMIM 114500.
Endometrial carcinoma. Also called: Endometrial carcinoma, somatic. Identifiers: MedGen C0476089, MONDO:0002447, OMIM 608089, HP:0012114.
Colorectal cancer, hereditary nonpolyposis, type 7. Identifiers: Orphanet 144, MedGen C1858380, MONDO:0013725, OMIM 614385.
MLH3-related disorder. Also called: MLH3-related condition.

Allele frequency attached by ClinVar (database versions not stated): gnomAD 0.00007 and 0.00008; gnomAD exomes 0.00010; TOPMed 0.00012; ExAC 0.00009.

Submissions (6):

Labcorp Genetics (formerly Invitae), Labcorp
Classification: Uncertain significance for Colorectal cancer, hereditary nonpolyposis, type 7. Last evaluated: 2026-01-26. Review status: criteria provided, single submitter. Criteria: Invitae Variant Classification Sherloc (09022015). Collection method: clinical testing. Allele origin: germline.
Comment: This sequence change replaces arginine, which is basic and polar, with histidine, which is basic and polar, at codon 1423 of the MLH3 protein (p.Arg1423His). This variant is present in population databases (rs752635498, gnomAD 0.05%), and has an allele count higher than expected for a pathogenic variant. This variant has not been reported in the literature in individuals affected with MLH3-related conditions. ClinVar contains an entry for this variant (Variation ID: 854166). An algorithm developed to predict the effect of missense changes on protein structure and function outputs the following: PolyPhen-2: "Benign". The histidine amino acid residue is found in multiple mammalian species, which suggests that this missense change does not adversely affect protein function. In summary, the available evidence is currently insufficient to determine the role of this variant in disease. Therefore, it has been classified as a Variant of Uncertain Significance.

Dasa
Classification: Uncertain significance. Last evaluated: 2025-05-31. Review status: criteria provided, single submitter. Criteria: DASA Assertion Criteria. Collection method: clinical testing. Allele origin: germline.
Comment: NM_001040108.2(MLH3):c.4268G>A (p.Arg1423His) is a missense variant that results in the substitution of arginine with histidine. This variant is rare in population databases. Computational prediction algorithms are consistent with a benign effect. The currently available literature and clinical evidence are not sufficient to establish a definitive association between this variant and the reported condition. Therefore, this variant is classified as a variant of uncertain significance.

Center for Genomic Medicine, Rigshospitalet, Copenhagen University Hospital
Classification: Uncertain significance. Last evaluated: 2025-03-04. Review status: criteria provided, single submitter. Criteria: ACMG Guidelines, 2015. Collection method: clinical testing. Allele origin: germline.

Ambry Genetics
Classification: Uncertain significance. Last evaluated: 2024-11-24. Review status: criteria provided, single submitter. Criteria: Ambry Variant Classification Scheme 2023. Collection method: clinical testing. Allele origin: germline.
Comment: The p.R1423H variant (also known as c.4268G>A), located in coding exon 12 of the MLH3 gene, results from a G to A substitution at nucleotide position 4268. The arginine at codon 1423 is replaced by histidine, an amino acid with highly similar properties. This amino acid position is well conserved in available vertebrate species. In addition, this alteration is predicted to be tolerated by in silico analysis. Since supporting evidence is limited at this time, the clinical significance of this alteration remains unclear.

Fulgent Genetics
Classification: Uncertain significance for Colorectal cancer; Endometrial carcinoma; Colorectal cancer, hereditary nonpolyposis, type 7. Last evaluated: 2024-02-01. Review status: criteria provided, single submitter. Criteria: ACMG Guidelines, 2015. Collection method: clinical testing. Allele origin: germline.

PreventionGenetics, part of Exact Sciences
Classification: Uncertain significance for MLH3-related condition. Last evaluated: 2023-01-13. Review status: criteria provided, single submitter. Criteria: ACMG Guidelines, 2015. Collection method: clinical testing. Allele origin: germline.
Comment: The MLH3 c.4268G>A variant is predicted to result in the amino acid substitution p.Arg1423His. To our knowledge, this variant has not been reported in the literature. This variant is reported in 0.042% of alleles in individuals of Latino descent in gnomAD. It is interpreted as a variant of uncertain significance in ClinVar. At this time, the clinical significance of this variant is uncertain due to the absence of conclusive functional and genetic evidence.